The following is an entry in ClinVar:

ClinVar aggregate classification (germline): Uncertain significance. Review status: criteria provided, multiple submitters, no conflicts (2 of 4 stars). 5 submissions from 5 submitters: Uncertain significance (4). 1 of the submissions does not count toward it. Last evaluated 2024-02-01.

Conditions:
Galactosemia. Also called: Galactose intolerance. Identifiers: Orphanet 352, MedGen C0016952, MONDO:0018116, HP:0004919. Disease mechanism: loss of function.
Deficiency of UDPglucose-hexose-1-phosphate uridylyltransferase. Also called: GALACTOSE-1-PHOSPHATE URIDYLYLTRANSFERASE DEFICIENCY; GALT deficiency; Galactosemia, classic; Transferase Deficiency Galactosemia; GALACTOSEMIA I. Identifiers: Orphanet 352, Orphanet 79239, MedGen C0268151, MONDO:0009258, OMIM 230400.

Allele frequency attached by ClinVar (database versions not stated): ExAC 0.00001; gnomAD exomes below 0.00001 and 0.00002.
gnomAD v4.1: 33 of 1,613,266 alleles (0.002%); highest among the groups gnomAD compares: Non-Finnish European, 0.0028%; no homozygotes.

Submissions (5):

Mayo Clinic Laboratories, Mayo Clinic
Classification: Uncertain significance. Last evaluated: 2024-02-01. Review status: criteria provided, single submitter. Criteria: ACMG Guidelines, 2015. Collection method: clinical testing. Allele origin: germline. Observed: 1 variant allele.
Comment: PM2_moderate

Women's Health and Genetics/Laboratory Corporation of America, LabCorp
Classification: Uncertain significance. Last evaluated: 2023-08-30. Review status: criteria provided, single submitter. Criteria: LabCorp Variant Classification Summary - May 2015. Collection method: clinical testing. Allele origin: germline.
Comment: Variant summary: GALT c.793C>G (p.Pro265Ala) results in a non-conservative amino acid change located in the C-terminal domain (IPR005850) of the encoded protein sequence. Three of five in-silico tools predict a damaging effect of the variant on protein function. The variant allele was found at a frequency of 4e-06 in 250752 control chromosomes (gnomAD). The available data on variant occurrences in the general population are insufficient to allow any conclusion about variant significance. c.793C>G has been reported in the literature in individuals affected with Galactosemia (Gort_2006, Carney_2009, Demirbas_2019), however, in at least one of these patients the variant was found in cis with a pathogenic variant (Gort_2006). These reports do not provide unequivocal conclusions about association of the variant with Galactosemia. To our knowledge, no experimental evidence demonstrating an impact on protein function has been reported. The following publications have been ascertained in the context of this evaluation (PMID: 19224951, 17041746, 30718057). Three submitters have cited clinical-significance assessments for this variant to ClinVar after 2014. All submitters classified the variant as uncertain significance. Based on the evidence outlined above, the variant was classified as uncertain significance.

Labcorp Genetics (formerly Invitae), Labcorp
Classification: Uncertain significance for Deficiency of UDPglucose-hexose-1-phosphate uridylyltransferase. Last evaluated: 2021-12-31. Review status: criteria provided, single submitter. Criteria: Invitae Variant Classification Sherloc (09022015). Collection method: clinical testing. Allele origin: germline.
Comment: This sequence change replaces proline, which is neutral and non-polar, with alanine, which is neutral and non-polar, at codon 265 of the GALT protein (p.Pro265Ala). This variant is not present in population databases (gnomAD no frequency). This missense change has been observed in individual(s) with galactosemia, being proven to be in cis in one of them (PMID: 17041746, 19224951). ClinVar contains an entry for this variant (Variation ID: 25265). Advanced modeling of protein sequence and biophysical properties (such as structural, functional, and spatial information, amino acid conservation, physicochemical variation, residue mobility, and thermodynamic stability) performed at Invitae indicates that this missense variant is expected to disrupt GALT protein function. In summary, the available evidence is currently insufficient to determine the role of this variant in disease. Therefore, it has been classified as a Variant of Uncertain Significance.

Eurofins Ntd Llc (ga)
Classification: Uncertain significance. Last evaluated: 2016-10-04. Review status: criteria provided, single submitter. Criteria: EGL Classification Definitions 2015. Collection method: clinical testing. Allele origin: germline. Observed: 3 variant alleles, 3 heterozygotes.

Natera, Inc.
Classification: Uncertain significance for Galactosemia. Last evaluated: 2020-09-16. Review status: no assertion criteria provided. Collection method: clinical testing. Allele origin: germline. Not counted in ClinVar's aggregate classification.

Literature cited by the submitters: PubMed 17041746 (cited by 4 submitters); PubMed 19224951 (cited by 3 submitters); PubMed 30718057 (cited by Mayo Clinic Laboratories, Mayo Clinic and Women's Health and Genetics/Laboratory Corporation of America, LabCorp).

NM_000155.4(GALT):c.793C>G (p.Pro265Ala)

Gene: GALT (galactose-1-phosphate uridylyltransferase; plus strand). Cytogenetic location: 9p13.3.
Variant type: single nucleotide variant.
Coding change: c.793C>G on transcript NM_000155.4 (MANE Select); coding-DNA position 793, C replaced by G.
Protein change: p.Pro265Ala; replaces proline 265 with alanine.
Molecular consequence: missense variant.
Genome position (GRCh38, 1-based): chr9:34,648,867, C>G. VCF-style: chr9-34648867-C-G. GRCh37 (hg19) VCF-style: chr9-34648864-C-G.
Other names: c.466C>G, p.Pro156Ala (NM_001258332.2); short protein forms P156A.
Identifiers: ClinVar variation 25265 (VCV000025265.15), dbSNP rs111033764, ClinGen allele CA259503.